The following is an entry in ClinVar:

NM_002691.4(POLD1):c.1072C>G (p.Arg358Gly)

Gene: POLD1 (DNA polymerase delta 1, catalytic subunit; plus strand). Cytogenetic location: 19q13.33.
Variant type: single nucleotide variant.
Coding change: c.1072C>G on transcript NM_002691.4 (MANE Select); coding-DNA position 1072, C replaced by G.
Protein change: p.Arg358Gly; replaces arginine 358 with glycine.
Molecular consequence: missense variant. On other transcripts: non-coding transcript variant (1).
Genome position (GRCh38, 1-based): chr19:50,403,154, C>G. VCF-style: chr19-50403154-C-G. GRCh37 (hg19) VCF-style: chr19-50906411-C-G.
Other names: c.1072C>G, p.Arg358Gly (NM_001256849.1, NM_001308632.1); short protein forms R358G.
Identifiers: ClinVar variation 952220 (VCV000952220.14), dbSNP rs751775497, ClinGen allele CA406978259.

ClinVar aggregate classification (germline): Uncertain significance. Review status: criteria provided, multiple submitters, no conflicts (2 of 4 stars). 3 submissions from 3 submitters: Uncertain significance (3). Last evaluated 2026-08-06.

Conditions:
POLD1-related polyposis and colorectal cancer syndrome (CRCS10). Also called: Colorectal cancer 10; COLORECTAL CANCER, SUSCEPTIBILITY TO, ON CHROMOSOME 19q; Colorectal cancer, susceptibility to, 10. Identifiers: Orphanet 220460, MedGen C2675481, MONDO:0012953, OMIM 612591.
Hereditary cancer-predisposing syndrome. Also called: Hereditary neoplastic syndrome; Tumor predisposition; Neoplastic Syndromes, Hereditary; Hereditary Cancer Syndrome. Identifiers: Orphanet 140162, MedGen C0027672, MeSH D009386, MONDO:0015356.

Submissions (3):

OLLIN Analises Genomicas, OLLIN
Classification: Uncertain significance for POLD1-related polyposis and colorectal cancer syndrome. Last evaluated: 2026-08-06. Review status: criteria provided, single submitter. Criteria: ACMG Guidelines 2015 PMID 25741868. Collection method: clinical testing. Allele origin: germline. Inheritance: Autosomal recessive inheritance.
Comment: This missense variant, located in exon 9 (of 27), is absent from gnomAD and has not been identified in the literature. However, it has been reported in ClinVar (accession VCV000952220.13). In silico analysis predicts that this variant has a tolerated effect. According to the currently available evidence, this variant has been classified as uncertain significance (PM2_P, BP4_M).

Ambry Genetics
Classification: Uncertain significance for Hereditary cancer-predisposing syndrome. Last evaluated: 2025-10-27. Review status: criteria provided, single submitter. Criteria: Ambry Variant Classification Scheme 2023. Collection method: clinical testing. Allele origin: germline.
Comment: The p.R358G variant (also known as c.1072C>G), located in coding exon 8 of the POLD1 gene, results from a C to G substitution at nucleotide position 1072. The arginine at codon 358 is replaced by glycine, an amino acid with dissimilar properties. This amino acid position is not well conserved in available vertebrate species. In addition, this alteration is predicted to be tolerated by in silico analysis. Since supporting evidence is limited at this time, the clinical significance of this alteration remains unclear.

Labcorp Genetics (formerly Invitae), Labcorp
Classification: Uncertain significance for POLD1-related polyposis and colorectal cancer syndrome. Last evaluated: 2023-10-23. Review status: criteria provided, single submitter. Criteria: Invitae Variant Classification Sherloc (09022015). Collection method: clinical testing. Allele origin: germline.
Comment: This sequence change replaces arginine, which is basic and polar, with glycine, which is neutral and non-polar, at codon 358 of the POLD1 protein (p.Arg358Gly). This variant is not present in population databases (gnomAD no frequency). This variant has not been reported in the literature in individuals affected with POLD1-related conditions. ClinVar contains an entry for this variant (Variation ID: 952220). Advanced modeling of protein sequence and biophysical properties (such as structural, functional, and spatial information, amino acid conservation, physicochemical variation, residue mobility, and thermodynamic stability) performed at Invitae indicates that this missense variant is not expected to disrupt POLD1 protein function. In summary, the available evidence is currently insufficient to determine the role of this variant in disease. Therefore, it has been classified as a Variant of Uncertain Significance.